The following is an entry in ClinVar:

NM_000152.5(GAA):c.1654C>A (p.Leu552Ile)

Gene: GAA (alpha glucosidase; plus strand). Cytogenetic location: 17q25.3.
Variant type: single nucleotide variant.
Coding change: c.1654C>A on transcript NM_000152.5 (MANE Select); coding-DNA position 1654, C replaced by A.
Protein change: p.Leu552Ile; replaces leucine 552 with isoleucine.
Molecular consequence: missense variant.
Genome position (GRCh38, 1-based): chr17:80,112,000, C>A. VCF-style: chr17-80112000-C-A. GRCh37 (hg19) VCF-style: chr17-78085799-C-A.
Other names: c.1654C>A, p.Leu552Ile (NM_001079803.3, NM_001079804.3, NM_001406741.1 and 1 more transcripts); short protein forms L552I.
Identifiers: ClinVar variation 4876580 (VCV004876580.1).

ClinVar aggregate classification (germline): Uncertain significance (1 of 4 stars; one submission).

Conditions:
Glycogen storage disease, type II (IOPD). Also called: Pompe Disease; CARDIOMEGALIA GLYCOGENICA DIFFUSA; GLYCOGENOSIS, GENERALIZED, CARDIAC FORM; GSD II; POMPE DISEASE, INFANTILE-ONSET; GLYCOGEN STORAGE DISEASE II, INFANTILE-ONSET. Identifiers: Orphanet 365, MedGen C0017921, MONDO:0009290, OMIM 232300.

Submission:

Genomenon, Inc
Classification: Uncertain significance for Glycogen storage disease, type II. Last evaluated: 2026-07-01. Review status: criteria provided, single submitter. Criteria: Genomenon Sequence Variant Interpretation Standards - Updated. Collection method: curation. Allele origin: germline. Affected: no.
Comment: GAA p.Leu552Ile (c.1654C>A) is a missense variant that changes the amino acid at codon 552 from Leucine to Isoleucine. This variant has been reported in the published literature (PMID:30281819). It is absent or not present at a significant frequency in gnomAD. In conclusion, we classify GAA p.Leu552Ile (c.1654C>A) as a variant of uncertain significance.

Literature cited by the submitters: PubMed 30281819.